The following is an entry in ClinVar:

ClinVar aggregate classification (germline): Pathogenic/Likely pathogenic. Review status: criteria provided, multiple submitters, no conflicts (2 of 4 stars). 6 submissions from 6 submitters: Pathogenic (4); Likely pathogenic (2). Last evaluated 2024-06-24.

Conditions:
Hereditary nonpolyposis colon cancer (HNPCC). Also called: Hereditary Nonpolyposis Colorectal Cancer Syndrome; Hereditary nonpolyposis colorectal cancer; Familial nonpolyposis colon cancer. Identifiers: Orphanet 443909, MedGen C1333990, MONDO:0018630. Disease mechanism: loss of function.
Hereditary nonpolyposis colorectal neoplasms. Identifiers: MedGen C0009405, MeSH D003123.
Hereditary cancer-predisposing syndrome. Also called: Tumor predisposition; Hereditary Cancer Syndrome; Hereditary neoplastic syndrome; Neoplastic Syndromes, Hereditary. Identifiers: Orphanet 140162, MedGen C0027672, MeSH D009386, MONDO:0015356.
Lynch syndrome 4 (LYNCH4). Also called: Colorectal cancer, hereditary nonpolyposis, type 4; Hereditary non-polyposis colorectal cancer, type 4. Identifiers: Orphanet 144, MedGen C1838333, MONDO:0013699, OMIM 614337. Disease mechanism: loss of function.

Submissions (6):

Ambry Genetics
Classification: Pathogenic for Hereditary cancer-predisposing syndrome. Last evaluated: 2024-06-24. Review status: criteria provided, single submitter. Criteria: Ambry Variant Classification Scheme 2023. Collection method: clinical testing. Allele origin: germline.
Comment: The p.E836* pathogenic mutation (also known as c.2506G>T), located in coding exon 15 of the PMS2 gene, results from a G to T substitution at nucleotide position 2506. This changes the amino acid from a glutamic acid to a stop codon within coding exon 15. This alteration occurs at the 3' terminus of PMS2 gene, is not expected to trigger nonsense-mediated mRNA decay, and only impacts the last 3.1% of the protein. However, premature stop codons are typically deleterious in nature and the impacted region is critical for protein function (Ambry internal data). This variant is considered to be rare based on population cohorts in the Genome Aggregation Database (gnomAD). Based on the supporting evidence, this variant is interpreted as a disease-causing mutation.

Labcorp Genetics (formerly Invitae), Labcorp
Classification: Pathogenic for Hereditary nonpolyposis colorectal neoplasms. Last evaluated: 2024-03-06. Review status: criteria provided, single submitter. Criteria: Invitae Variant Classification Sherloc (09022015). Collection method: clinical testing. Allele origin: germline.
Comment: This sequence change creates a premature translational stop signal (p.Glu836*) in the PMS2 gene. While this is not anticipated to result in nonsense mediated decay, it is expected to disrupt the last 27 amino acid(s) of the PMS2 protein. The frequency data for this variant in the population databases (gnomAD) is considered unreliable due to the presence of homologous sequence, such as pseudogenes or paralogs, in the genome. This premature translational stop signal has been observed in individual(s) with clinical features of Lynch syndrome (PMID: 28514183). ClinVar contains an entry for this variant (Variation ID: 183718). This variant disrupts a region of the PMS2 protein in which other variant(s) (p.Trp841Glyfs*10) have been determined to be pathogenic (PMID: 26116798, 30764633). This suggests that this is a clinically significant region of the protein, and that variants that disrupt it are likely to be disease-causing. For these reasons, this variant has been classified as Pathogenic.

Myriad Genetics, Inc.
Classification: Pathogenic for Lynch syndrome 4. Last evaluated: 2023-09-25. Review status: criteria provided, single submitter. Criteria: Myriad Autosomal Dominant, Autosomal Recessive and X-Linked Classification Criteria (2023). Collection method: clinical testing. Allele origin: unknown.
Comment: This variant is considered pathogenic. This variant creates a termination codon and is predicted to result in premature protein truncation.

Women's Health and Genetics/Laboratory Corporation of America, LabCorp
Classification: Pathogenic for Hereditary nonpolyposis colon cancer. Last evaluated: 2023-06-05. Review status: criteria provided, single submitter. Criteria: LabCorp Variant Classification Summary - May 2015. Collection method: clinical testing. Allele origin: germline.
Comment: Variant summary: PMS2 c.2506G>T (p.Glu836X) results in a premature termination codon in the last exon of PMS2, and is predicted to cause a truncation of the last 27 amino acids of the PMS2 protein. Other truncating variants in this region have been classified as pathogenic in ClinVar. Additionally, this region of the protein (amino acids 675 - 850) has been shown to be critical for interaction between PMS2 and MLH1 (PMID: 10037723). The variant was absent in 167792 control chromosomes in GnomAD. However, the region is highly homologous to PMS2 pseudogenes, and the technology utilized for this dataset does not rule out pseudogene interference, therefore these data might not be reliable for assessing variant frequency. c.2506G>T has been reported in the literature in an individual affected with Lynch Syndrome (Espenschied_2017). To our knowledge, no experimental evidence demonstrating an impact on protein function has been reported. Four clinical diagnostic laboratories have submitted clinical-significance assessments for this variant to ClinVar after 2014 without evidence for independent evaluation and all classified the variant as pathogenic/likely pathogenic. Based on the evidence outlined above, the variant was classified as pathogenic.

Quest Diagnostics Nichols Institute San Juan Capistrano
Classification: Likely pathogenic. Last evaluated: 2019-01-25. Review status: criteria provided, single submitter. Criteria: Quest Diagnostics criteria. Collection method: clinical testing. Allele origin: germline.
Comment: Not found in the gnomAD exomes dataset, and the data is high quality (0/159092 chr). Found in at least one symptomatic patient. Assessment of experimental evidence suggests this variant results in abnormal protein function.

GeneDx
Classification: Likely pathogenic. Last evaluated: 2017-11-22. Review status: criteria provided, single submitter. Criteria: GeneDx Variant Classification (06012015). Collection method: clinical testing. Allele origin: germline. Affected: yes.
Comment: This variant is denoted PMS2 c.2506G>T at the cDNA level and p.Glu836Ter (E836X) at the protein level. The substitution creates a nonsense variant, which changes a Glutamic Acid to a premature stop codon (GAG>TAG), and is predicted to cause loss of normal protein function through protein truncation. Even though this variant occurs near the end of the gene and nonsense-mediated decay is not expected to occur, it is significant since the last 26 amino acids are no longer translated. Furthermore, the truncation would disrupt a portion of the endonuclease domain and a conserved Zinc binding motif (Kosinski 2008, Fukui 2011). Although this variant has not, to our knowledge, been reported in the literature, it is considered likely pathogenic.

Literature cited by the submitters: PubMed 28514183 (cited by Labcorp Genetics (formerly Invitae), Labcorp and Women's Health and Genetics/Laboratory Corporation of America, LabCorp); PubMed 26116798 (cited by Labcorp Genetics (formerly Invitae), Labcorp); PubMed 30764633 (cited by Labcorp Genetics (formerly Invitae), Labcorp); PubMed 20533529 (cited by Quest Diagnostics Nichols Institute San Juan Capistrano); PubMed 16338176 (cited by Quest Diagnostics Nichols Institute San Juan Capistrano); PubMed 10037723 (cited by Quest Diagnostics Nichols Institute San Juan Capistrano).

NM_000535.7(PMS2):c.2506G>T (p.Glu836Ter)

Gene: PMS2 (PMS1 homolog 2, mismatch repair system component; minus strand). Cytogenetic location: 7p22.1.
Variant type: single nucleotide variant.
Coding change: c.2506G>T on transcript NM_000535.7 (MANE Select); coding-DNA position 2506, G replaced by T.
Protein change: p.Glu836Ter; replaces glutamic acid 836 with a stop codon.
Molecular consequence: nonsense. On other transcripts: non-coding transcript variant (1).
Genome position (GRCh38, 1-based): chr7:5,973,482, C>A on the plus strand (G>T on the coding strand, the complement: PMS2 is on the minus strand). VCF-style: chr7-5973482-C-A. GRCh37 (hg19) VCF-style: chr7-6013113-C-A.
Other names: c.2101G>T, p.Glu701Ter (NM_001322003.2, NM_001322004.2, NM_001322005.2); c.2350G>T, p.Glu784Ter (NM_001322006.2); c.2188G>T, p.Glu730Ter (NM_001322007.2, NM_001322008.2); c.2134G>T, p.Glu712Ter (NM_001322009.2); c.1945G>T, p.Glu649Ter (NM_001322010.2); c.1573G>T, p.Glu525Ter (NM_001322011.2, NM_001322012.2); c.1933G>T, p.Glu645Ter (NM_001322013.2); c.2539G>T, p.Glu847Ter (NM_001322014.2); and 1 more; short protein forms E836*, E525*, E712*, E649*, E730*, E701*, E733*, E784*.
Identifiers: ClinVar variation 183718 (VCV000183718.18), dbSNP rs786201039, ClinGen allele CA011600.